The following is an entry in ClinVar:

NM_001166108.2(PALLD):c.2990G>A (p.Gly997Asp)

Genes: CBR4 (carbonyl reductase 4; minus strand), PALLD (palladin, cytoskeletal associated protein; plus strand). Cytogenetic location: 4q32.3.
Variant type: single nucleotide variant.
Coding change: c.2990G>A on transcript NM_001166108.2 (MANE Select); coding-DNA position 2990, G replaced by A.
Protein change: p.Gly997Asp; replaces glycine 997 with aspartic acid.
Molecular consequence: missense variant.
Genome position (GRCh38, 1-based): chr4:168,921,673, G>A. VCF-style: chr4-168921673-G-A. GRCh37 (hg19) VCF-style: chr4-169842824-G-A.
Other names: c.1793G>A, p.Gly598Asp (NM_001166109.2); c.1478G>A, p.Gly493Asp (NM_001166110.2); c.818G>A, p.Gly273Asp (NM_001367567.1, NM_001367569.1); c.869G>A, p.Gly290Asp (NM_001367568.1, NM_001367570.1); c.2939G>A, p.Gly980Asp (NM_016081.4); short protein forms G493D, G598D, G273D, G290D, G997D, G980D.
Identifiers: ClinVar variation 5026243 (VCV005026243.1).

ClinVar aggregate classification (germline): Uncertain significance (1 of 4 stars; one submission).

Submission:

Ambry Genetics
Classification: Uncertain significance. Last evaluated: 2026-08-16. Review status: criteria provided, single submitter. Criteria: Ambry Variant Classification Scheme 2023. Collection method: clinical testing. Allele origin: germline.
Comment: The p.G493D variant (also known as c.1478G>A), located in coding exon 8 of the PALLD gene, results from a G to A substitution at nucleotide position 1478. The glycine at codon 493 is replaced by aspartic acid, an amino acid with similar properties. This amino acid position is conserved. In addition, this alteration is predicted to be deleterious by in silico analysis. Based on the available evidence, the clinical significance of this variant remains unclear.